The following is an entry in ClinVar:

NM_000393.5(COL5A2):c.2020A>G (p.Thr674Ala)

Gene: COL5A2 (collagen type V alpha 2 chain; minus strand). Cytogenetic location: 2q32.2.
Variant type: single nucleotide variant.
Coding change: c.2020A>G on transcript NM_000393.5 (MANE Select); coding-DNA position 2020, A replaced by G.
Protein change: p.Thr674Ala; replaces threonine 674 with alanine.
Molecular consequence: missense variant.
Genome position (GRCh38, 1-based): chr2:189,061,573, T>C on the plus strand (A>G on the coding strand, the complement: COL5A2 is on the minus strand). VCF-style: chr2-189061573-T-C. GRCh37 (hg19) VCF-style: chr2-189926299-T-C.
Other names: short protein forms T674A.
Identifiers: ClinVar variation 1313713 (VCV001313713.2), dbSNP rs1686034098, ClinGen allele CA349877958.
Genomic context (GRCh38, chr2:189,061,573, plus strand): 5'-AGCATTTTAGTTAATGGAAGATGAAATGGAAAACCGAATTAGTGCATACCTGAAAACCTG[T>C]GGGGCCTGGAGGTCCTTGTTCTCCTCTTTCACCAGCTAGACCCTAAGTTGTGAAGGAGAA-3'
Protein context (NP_000384.2, residues 664-684): ERGEQGPPGP[Thr674Ala]GFQGLPGPPG

ClinVar aggregate classification (germline): Uncertain significance (1 of 4 stars; one submission).

Allele frequency attached by ClinVar (database versions not stated): TOPMed below 0.00001; gnomAD 0.00001.
gnomAD v4.1: 1 of 1,613,002 alleles (0.000062%); highest among the groups gnomAD compares: Non-Finnish European, 0.000085%; no homozygotes.

Submission:

GeneDx
Classification: Uncertain significance. Last evaluated: 2020-12-07. Review status: criteria provided, single submitter. Criteria: GeneDx Variant Classification Process June 2021. Collection method: clinical testing. Allele origin: germline. Affected: yes.
Comment: Has not been previously published as pathogenic or benign to our knowledge; Not observed in large population cohorts (Lek et al., 2016); In silico analysis supports that this missense variant does not alter protein structure/function